The following is an entry in ClinVar:

ClinVar aggregate classification (germline): Uncertain significance. Review status: criteria provided, multiple submitters, no conflicts (2 of 4 stars). 3 submissions from 3 submitters: Uncertain significance (3). Last evaluated 2025-08-11.

Conditions:
Inborn genetic diseases. Identifiers: MedGen C0950123, MeSH D030342.

Allele frequency attached by ClinVar (database versions not stated): TOPMed below 0.00001; gnomAD 0.00001; ExAC 0.00002; gnomAD exomes 0.00002.
gnomAD v4.1: 30 of 1,614,060 alleles (0.0019%); highest among the groups gnomAD compares: Non-Finnish European, 0.0024%; no homozygotes.

Submissions (3):

Women's Health and Genetics/Laboratory Corporation of America, LabCorp
Classification: Uncertain significance. Last evaluated: 2025-08-11. Review status: criteria provided, single submitter. Criteria: LabCorp Variant Classification Summary - May 2015. Collection method: clinical testing. Allele origin: germline.
Comment: Variant summary: VCAN c.1292A>G (p.Lys431Arg) results in a conservative amino acid change in the encoded protein sequence. Algorithms developed to predict the effect of missense changes on protein structure and function all suggest that this variant is likely to be tolerated. The variant allele was found at a frequency of 1.2e-05 in 251162 control chromosomes. The available data on variant occurrences in the general population are insufficient to allow any conclusion about variant significance. To our knowledge, no occurrence of c.1292A>G in individuals affected with Wagner Syndrome and no experimental evidence demonstrating its impact on protein function have been reported. ClinVar contains an entry for this variant (Variation ID: 1722400). Based on the evidence outlined above, the variant was classified as uncertain significance.

Ambry Genetics
Classification: Uncertain significance for Inborn genetic diseases. Last evaluated: 2025-06-17. Review status: criteria provided, single submitter. Criteria: Ambry Variant Classification Scheme 2023. Collection method: clinical testing. Allele origin: germline.

Labcorp Genetics (formerly Invitae), Labcorp
Classification: Uncertain significance. Last evaluated: 2023-07-31. Review status: criteria provided, single submitter. Criteria: Invitae Variant Classification Sherloc (09022015). Collection method: clinical testing. Allele origin: germline.
Comment: In summary, the available evidence is currently insufficient to determine the role of this variant in disease. Therefore, it has been classified as a Variant of Uncertain Significance. Algorithms developed to predict the effect of missense changes on protein structure and function output the following: SIFT: "Not Available"; PolyPhen-2: "Benign"; Align-GVGD: "Not Available". The arginine amino acid residue is found in multiple mammalian species, which suggests that this missense change does not adversely affect protein function. ClinVar contains an entry for this variant (Variation ID: 1722400). This variant has not been reported in the literature in individuals affected with VCAN-related conditions. This variant is present in population databases (rs761239141, gnomAD 0.003%). This sequence change replaces lysine, which is basic and polar, with arginine, which is basic and polar, at codon 431 of the VCAN protein (p.Lys431Arg).

NM_004385.5(VCAN):c.1292A>G (p.Lys431Arg)

Gene: VCAN (versican; plus strand). Cytogenetic location: 5q14.3.
Variant type: single nucleotide variant.
Coding change: c.1292A>G on transcript NM_004385.5 (MANE Select); coding-DNA position 1292, A replaced by G.
Protein change: p.Lys431Arg; replaces lysine 431 with arginine.
Molecular consequence: missense variant. On other transcripts: intron variant (2).
Genome position (GRCh38, 1-based): chr5:83,519,598, A>G. VCF-style: chr5-83519598-A-G. GRCh37 (hg19) VCF-style: chr5-82815417-A-G.
Other names: c.1292A>G, p.Lys431Arg (NM_001164098.2); c.1042+7202A>G (NM_001164097.2, NM_001126336.3); short protein forms K431R.
Identifiers: ClinVar variation 1722400 (VCV001722400.6), dbSNP rs761239141, ClinGen allele CA3332644.